The following is an entry in ClinVar:

ClinVar aggregate classification (germline): Uncertain significance. Review status: criteria provided, multiple submitters, no conflicts (2 of 4 stars). 2 submissions from 2 submitters: Uncertain significance (2). Last evaluated 2025-09-02.

Conditions:
Inborn genetic diseases. Identifiers: MedGen C0950123, MeSH D030342.

Submissions (2):

Labcorp Genetics (formerly Invitae), Labcorp
Classification: Uncertain significance. Last evaluated: 2025-09-02. Review status: criteria provided, single submitter. Criteria: Invitae Variant Classification Sherloc (09022015). Collection method: clinical testing. Allele origin: germline.
Comment: This sequence change replaces proline, which is neutral and non-polar, with arginine, which is basic and polar, at codon 128 of the NKX3-2 protein (p.Pro128Arg). This variant is present in population databases (rs773171448, gnomAD 0.03%). This variant has not been reported in the literature in individuals affected with NKX3-2-related conditions. ClinVar contains an entry for this variant (Variation ID: 1428468). Invitae Evidence Modeling of protein sequence and biophysical properties (such as structural, functional, and spatial information, amino acid conservation, physicochemical variation, residue mobility, and thermodynamic stability) indicates that this missense variant is not expected to disrupt NKX3-2 protein function with a negative predictive value of 80%. In summary, the available evidence is currently insufficient to determine the role of this variant in disease. Therefore, it has been classified as a Variant of Uncertain Significance.

Ambry Genetics
Classification: Uncertain significance for Inborn genetic diseases. Last evaluated: 2024-12-12. Review status: criteria provided, single submitter. Criteria: Ambry Variant Classification Scheme 2023. Collection method: clinical testing. Allele origin: germline.

NM_001189.4(NKX3-2):c.383C>G (p.Pro128Arg)

Gene: NKX3-2 (NK3 homeobox 2; minus strand). Cytogenetic location: 4p15.33.
Variant type: single nucleotide variant.
Coding change: c.383C>G on transcript NM_001189.4 (MANE Select); coding-DNA position 383, C replaced by G.
Protein change: p.Pro128Arg; replaces proline 128 with arginine.
Molecular consequence: missense variant.
Genome position (GRCh38, 1-based): chr4:13,544,032, G>C on the plus strand (C>G on the coding strand, the complement: NKX3-2 is on the minus strand). VCF-style: chr4-13544032-G-C. GRCh37 (hg19) VCF-style: chr4-13545656-G-C.
Other names: c.383C>G (NM_001189.3); short protein forms P128R.
Identifiers: ClinVar variation 1428468 (VCV001428468.10), dbSNP rs773171448, ClinGen allele CA2860399.